The following is an entry in ClinVar:

ClinVar aggregate classification (germline): Uncertain significance (1 of 4 stars; one submission).

Conditions:
Inborn genetic diseases. Identifiers: MedGen C0950123, MeSH D030342.

Submission:

Ambry Genetics
Classification: Uncertain significance for Inborn genetic diseases. Last evaluated: 2025-11-10. Review status: criteria provided, single submitter. Criteria: Ambry Variant Classification Scheme 2023. Collection method: clinical testing. Allele origin: germline.
Comment: The p.V403M variant (also known as c.1207G>A), located in coding exon 7 of the ERCC6L2 gene, results from a G to A substitution at nucleotide position 1207. The valine at codon 403 is replaced by methionine, an amino acid with highly similar properties. This amino acid position is conserved. In addition, the in silico prediction for this alteration is inconclusive. Based on the available evidence, the clinical significance of this variant remains unclear.

NM_020207.7(ERCC6L2):c.1207G>A (p.Val403Met)

Gene: ERCC6L2 (ERCC excision repair 6 like 2; plus strand). Cytogenetic location: 9q22.32.
Variant type: single nucleotide variant.
Coding change: c.1207G>A on transcript NM_020207.7 (MANE Select); coding-DNA position 1207, G replaced by A.
Protein change: p.Val403Met; replaces valine 403 with methionine.
Molecular consequence: missense variant. On other transcripts: non-coding transcript variant (1).
Genome position (GRCh38, 1-based): chr9:95,921,223, G>A. VCF-style: chr9-95921223-G-A. GRCh37 (hg19) VCF-style: chr9-98683505-G-A.
Other names: c.1207G>A, p.Val403Met (NM_001010895.4, NM_001375291.1, NM_001375292.1 and 2 more transcripts); short protein forms V403M.
Identifiers: ClinVar variation 4618757 (VCV004618757.1).